The following is an entry in ClinVar:

ClinVar aggregate classification (germline): Uncertain significance (1 of 4 stars; one submission).

Conditions:
Cutis laxa, autosomal dominant 3 (ADCL3). Identifiers: Orphanet 90348, MedGen C4225268, MONDO:0014706, OMIM 616603.
Autosomal dominant spastic paraplegia type 9. Identifiers: MedGen C1832669, MONDO:0015091.
de Barsy syndrome. Also called: Cutis laxa-corneal clouding-oligophrenia syndrome. Identifiers: Orphanet 2962, MedGen C0268354, MONDO:0017569.

Submission:

Labcorp Genetics (formerly Invitae), Labcorp
Classification: Uncertain significance for Autosomal dominant spastic paraplegia type 9; de Barsy syndrome; Cutis laxa, autosomal dominant 3. Last evaluated: 2022-02-08. Review status: criteria provided, single submitter. Criteria: Invitae Variant Classification Sherloc (09022015). Collection method: clinical testing. Allele origin: germline.
Comment: This sequence change replaces glycine, which is neutral and non-polar, with aspartic acid, which is acidic and polar, at codon 647 of the ALDH18A1 protein (p.Gly647Asp). In summary, the available evidence is currently insufficient to determine the role of this variant in disease. Therefore, it has been classified as a Variant of Uncertain Significance. Algorithms developed to predict the effect of missense changes on protein structure and function are either unavailable or do not agree on the potential impact of this missense change (SIFT: "Deleterious"; PolyPhen-2: "Probably Damaging"; Align-GVGD: "Class C15"). This variant has not been reported in the literature in individuals affected with ALDH18A1-related conditions. This variant is not present in population databases (gnomAD no frequency).

NM_002860.4(ALDH18A1):c.1940G>A (p.Gly647Asp)

Gene: ALDH18A1 (aldehyde dehydrogenase 18 family member A1; minus strand). Cytogenetic location: 10q24.1.
Variant type: single nucleotide variant.
Coding change: c.1940G>A on transcript NM_002860.4 (MANE Select); coding-DNA position 1940, G replaced by A.
Protein change: p.Gly647Asp; replaces glycine 647 with aspartic acid.
Molecular consequence: missense variant.
Genome position (GRCh38, 1-based): chr10:95,611,426, C>T on the plus strand (G>A on the coding strand, the complement: ALDH18A1 is on the minus strand). VCF-style: chr10-95611426-C-T. GRCh37 (hg19) VCF-style: chr10-97371183-C-T.
Other names: c.1934G>A, p.Gly645Asp (NM_001017423.2, NM_001323415.2); c.1607G>A, p.Gly536Asp (NM_001323412.2, NM_001323416.2); c.1940G>A, p.Gly647Asp (NM_001323413.2, NM_001323414.2); c.1835G>A, p.Gly612Asp (NM_001323417.2); c.1601G>A, p.Gly534Asp (NM_001323418.2); c.1304G>A, p.Gly435Asp (NM_001323419.2); short protein forms G435D, G645D, G647D, G534D, G536D, G612D.
Identifiers: ClinVar variation 1517687 (VCV001517687.6), dbSNP rs2139530815, ClinGen allele CA377700152.